The following is an entry in ClinVar:

ClinVar aggregate classification (germline): Uncertain significance (1 of 4 stars; one submission).

Submission:

Labcorp Genetics (formerly Invitae), Labcorp
Classification: Uncertain significance. Last evaluated: 2022-05-29. Review status: criteria provided, single submitter. Criteria: Invitae Variant Classification Sherloc (09022015). Collection method: clinical testing. Allele origin: germline.
Comment: This sequence change falls in intron 24 of the CARMIL2 gene. It does not directly change the encoded amino acid sequence of the CARMIL2 protein. This variant is not present in population databases (gnomAD no frequency). This variant has not been reported in the literature in individuals affected with CARMIL2-related conditions. Algorithms developed to predict the effect of sequence changes on RNA splicing suggest that this variant may create or strengthen a splice site. In summary, the available evidence is currently insufficient to determine the role of this variant in disease. Therefore, it has been classified as a Variant of Uncertain Significance.

NM_001013838.3(CARMIL2):c.2428-14T>A

Gene: CARMIL2 (capping protein regulator and myosin 1 linker 2; plus strand). Cytogenetic location: 16q22.1.
Variant type: single nucleotide variant.
Coding change: c.2428-14T>A on transcript NM_001013838.3 (MANE Select); 14 bases into the intron before coding-DNA position 2428, T replaced by A.
Molecular consequence: intron variant.
Genome position (GRCh38, 1-based): chr16:67,651,671, T>A. VCF-style: chr16-67651671-T-A. GRCh37 (hg19) VCF-style: chr16-67685574-T-A.
Other names: c.2320-14T>A (NM_001317026.3).
Identifiers: ClinVar variation 2000575 (VCV002000575.4), dbSNP rs2543562580, ClinGen allele CA2580091806.